The following is an entry in ClinVar:

NM_000059.4(BRCA2):c.8550del (p.Ala2851fs)

Gene: BRCA2 (BRCA2 DNA repair associated; plus strand). Cytogenetic location: 13q13.1.
Variant type: Deletion.
Coding change: c.8550del on transcript NM_000059.4 (MANE Select); coding-DNA position 8550, one base deleted (A; older notation c.8550delA).
Protein change: p.Ala2851fs; shifts the reading frame from alanine 2851.
Molecular consequence: frameshift variant.
Genome position (GRCh38, 1-based): chr13:32,371,018, A deleted; the last of 2 consecutive A bases (chr13:32,371,017-32,371,018); deleting either gives the same sequence. VCF-style (leftmost placement, unchanged base first): chr13-32371016-GA-G. GRCh37 (hg19) VCF-style: chr13-32945153-GA-G.
Other names: c.8550delA (NM_000059.3); short protein forms A2851fs.
Identifiers: ClinVar variation 1454840 (VCV001454840.7), dbSNP rs2137600297, ClinGen allele CA1164681425.

ClinVar aggregate classification (germline): Pathogenic. Review status: criteria provided, multiple submitters, no conflicts (2 of 4 stars). 2 submissions from 2 submitters: Pathogenic (2). Last evaluated 2025-07-22.

Conditions:
Hereditary breast ovarian cancer syndrome. Also called: Hereditary breast and ovarian cancer; Hereditary breast and ovarian cancer syndrome (HBOC); Breast and ovarian cancer; Hereditary breast and ovarian cancer syndrome; Hereditary breast and/or ovarian cancer syndrome; BRCA1- and BRCA2-Associated Hereditary Breast and Ovarian Cancer. Identifiers: Orphanet 145, MedGen C0677776, MeSH D061325, MONDO:0003582. Disease mechanism: loss of function.
Hereditary cancer-predisposing syndrome. Also called: Tumor predisposition; Neoplastic Syndromes, Hereditary; Hereditary Cancer Syndrome; Hereditary neoplastic syndrome. Identifiers: Orphanet 140162, MedGen C0027672, MeSH D009386, MONDO:0015356.

Submissions (2):

Ambry Genetics
Classification: Pathogenic for Hereditary cancer-predisposing syndrome. Last evaluated: 2025-07-22. Review status: criteria provided, single submitter. Criteria: Ambry Variant Classification Scheme 2023. Collection method: clinical testing. Allele origin: germline.
Comment: The c.8550delA pathogenic mutation, located in coding exon 19 of the BRCA2 gene, results from a deletion of one nucleotide at nucleotide position 8550, causing a translational frameshift with a predicted alternate stop codon (p.A2851Qfs*12). This variant is considered to be rare based on population cohorts in the Genome Aggregation Database (gnomAD). This alteration is expected to result in loss of function by premature protein truncation or nonsense-mediated mRNA decay. As such, this alteration is interpreted as a disease-causing mutation.

Labcorp Genetics (formerly Invitae), Labcorp
Classification: Pathogenic for Hereditary breast ovarian cancer syndrome. Last evaluated: 2021-10-11. Review status: criteria provided, single submitter. Criteria: Invitae Variant Classification Sherloc (09022015). Collection method: clinical testing. Allele origin: germline.
Comment: For these reasons, this variant has been classified as Pathogenic. This variant has not been reported in the literature in individuals affected with BRCA2-related conditions. This variant is not present in population databases (ExAC no frequency). This sequence change creates a premature translational stop signal (p.Ala2851Glnfs*12) in the BRCA2 gene. It is expected to result in an absent or disrupted protein product. Loss-of-function variants in BRCA2 are known to be pathogenic (PMID: 20104584).

Literature cited by the submitters: PubMed 20104584 (cited by Labcorp Genetics (formerly Invitae), Labcorp).